The following is an entry in ClinVar:

NM_016824.5(ADD3):c.1907A>C (p.His636Pro)

Gene: ADD3 (adducin 3; plus strand). Cytogenetic location: 10q25.2.
Variant type: single nucleotide variant.
Coding change: c.1907A>C on transcript NM_016824.5 (MANE Select); coding-DNA position 1907, A replaced by C.
Protein change: p.His636Pro; replaces histidine 636 with proline.
Molecular consequence: missense variant.
Genome position (GRCh38, 1-based): chr10:110,133,404, A>C. VCF-style: chr10-110133404-A-C. GRCh37 (hg19) VCF-style: chr10-111893162-A-C.
Other names: c.1811A>C, p.His604Pro (NM_001121.4, NM_019903.5); c.1907A>C, p.His636Pro (NM_001320591.2, NM_001320592.2, NM_001320593.2); c.1673A>C, p.His558Pro (NM_001320594.2); short protein forms H604P, H636P, H558P.
Identifiers: ClinVar variation 1957983 (VCV001957983.5), dbSNP rs2496411054, ClinGen allele CA378381801.
Genomic context (GRCh38, chr10:110,133,404, plus strand): 5'-CCAAGAGCTTCATCTCCATGGAAGTGCCTGTCATGGTAGTAAATGGCAAGGATGATATGC[A>C]TGATGTTGAAGATGAGCTTGCTAAGCGAGTGAGTAGGTTAAGCACAAGTACAACCATAGA-3'
Protein context (NP_058432.1, residues 626-646): VMVVNGKDDM[His636Pro]DVEDELAKRV

ClinVar aggregate classification (germline): Uncertain significance (1 of 4 stars; one submission).

Submission:

Labcorp Genetics (formerly Invitae), Labcorp
Classification: Uncertain significance. Last evaluated: 2022-05-16. Review status: criteria provided, single submitter. Criteria: Invitae Variant Classification Sherloc (09022015). Collection method: clinical testing. Allele origin: germline.
Comment: In summary, the available evidence is currently insufficient to determine the role of this variant in disease. Therefore, it has been classified as a Variant of Uncertain Significance. Algorithms developed to predict the effect of missense changes on protein structure and function are either unavailable or do not agree on the potential impact of this missense change (SIFT: "Not Available"; PolyPhen-2: "Benign"; Align-GVGD: "Not Available"). This variant has not been reported in the literature in individuals affected with ADD3-related conditions. This variant is not present in population databases (gnomAD no frequency). This sequence change replaces histidine, which is basic and polar, with proline, which is neutral and non-polar, at codon 636 of the ADD3 protein (p.His636Pro).